The following is an entry in ClinVar:

ClinVar aggregate classification (germline): Conflicting classifications of pathogenicity. Review status: criteria provided, conflicting classifications (1 of 4 stars). 5 submissions from 5 submitters: Uncertain significance (3); Likely benign (2). Last evaluated 2025-05-08.

Conditions:
BRCA2-related disorder. Also called: BRCA2-related condition; BRCA2-related disorders. Identifiers: MedGen CN239275.
Hereditary cancer-predisposing syndrome. Also called: Neoplastic Syndromes, Hereditary; Tumor predisposition; Hereditary Cancer Syndrome; Hereditary neoplastic syndrome. Identifiers: Orphanet 140162, MedGen C0027672, MeSH D009386, MONDO:0015356.
Hereditary breast ovarian cancer syndrome. Also called: Hereditary breast and ovarian cancer syndrome; BRCA1- and BRCA2-Associated Hereditary Breast and Ovarian Cancer; Breast and ovarian cancer; Hereditary breast and/or ovarian cancer syndrome; Hereditary breast and ovarian cancer; Hereditary breast and ovarian cancer syndrome (HBOC). Identifiers: Orphanet 145, MedGen C0677776, MeSH D061325, MONDO:0003582. Disease mechanism: loss of function.

Allele frequency attached by ClinVar (database versions not stated): TOPMed 0.00001.
gnomAD v4.1: 4 of 1,608,556 alleles (0.00025%); highest among the groups gnomAD compares: Non-Finnish European, 0.00034%; no homozygotes.

Submissions (5):

Ambry Genetics
Classification: Likely benign for Hereditary cancer-predisposing syndrome. Last evaluated: 2025-05-08. Review status: criteria provided, single submitter. Criteria: Ambry Variant Classification Scheme 2023. Collection method: clinical testing. Allele origin: germline.

Labcorp Genetics (formerly Invitae), Labcorp
Classification: Uncertain significance for Hereditary breast ovarian cancer syndrome. Last evaluated: 2024-09-16. Review status: criteria provided, single submitter. Criteria: Invitae Variant Classification Sherloc (09022015). Collection method: clinical testing. Allele origin: germline.
Comment: This sequence change replaces threonine, which is neutral and polar, with isoleucine, which is neutral and non-polar, at codon 431 of the BRCA2 protein (p.Thr431Ile). This variant is present in population databases (no rsID available, gnomAD 0.007%). This missense change has been observed in individual(s) with a personal or family history of BRCA2-related conditions (PMID: 12938098, 32772980). ClinVar contains an entry for this variant (Variation ID: 234066). Invitae Evidence Modeling of protein sequence and biophysical properties (such as structural, functional, and spatial information, amino acid conservation, physicochemical variation, residue mobility, and thermodynamic stability) indicates that this missense variant is not expected to disrupt BRCA2 protein function with a negative predictive value of 95%. In summary, the available evidence is currently insufficient to determine the role of this variant in disease. Therefore, it has been classified as a Variant of Uncertain Significance.

Quest Diagnostics Nichols Institute San Juan Capistrano
Classification: Uncertain significance. Last evaluated: 2024-07-12. Review status: criteria provided, single submitter. Criteria: Quest Diagnostics criteria. Collection method: clinical testing. Allele origin: unknown.
Comment: The BRCA2 c.1292C>T (p.Thr431Ile) variant has been reported in the published literature in in individuals with breast cancer (PMID: 12938098 (2003), 32772980 (2020), 33471991 (2021), see also LOVD). This variant has been identified in reportedly healthy individuals (PMID: 33471991 (2021), see also LOVD). In addition, this variant has been reported to be located in a region of the BRCA2 gene that is tolerant to missense sequence changes (PMID: 31911673 (2020)). This variant has not been reported in large, multi-ethnic general populations (Genome Aggregation Database). Analysis of this variant using bioinformatics tools for the prediction of the effect of amino acid changes on protein structure and function yielded predictions that this variant is benign. Based on the available information, we are unable to determine the clinical significance of this variant.

Color Diagnostics, LLC DBA Color Health
Classification: Uncertain significance for Hereditary cancer-predisposing syndrome. Last evaluated: 2023-05-30. Review status: criteria provided, single submitter. Criteria: ACMG Guidelines, 2015. Collection method: clinical testing. Allele origin: germline.
Comment: This missense variant replaces threonine with isoleucine at codon 431 of the BRCA2 protein. Computational prediction suggests that this variant may not impact protein structure and function (internally defined REVEL score threshold <= 0.5, PMID: 27666373). To our knowledge, functional studies have not been reported for this variant. This variant has been reported in individuals with a personal or family history of breast and/or ovarian cancer (PMID: 12938098, 31409081, 32772980). In a large breast cancer case-control meta analysis conducted by the BRIDGES consortium, this variant was reported in 1/60466 cases and 2/53461 healthy controls (PMID: 33471991; Leiden Open Variation Database DB-ID BRCA2_007102). This variant has been identified in 1/30964 chromosomes in the general population by the Genome Aggregation Database (gnomAD). The available evidence is insufficient to determine the role of this variant in disease conclusively. Therefore, this variant is classified as a Variant of Uncertain Significance.

University of Washington Department of Laboratory Medicine, University of Washington
Classification: Likely benign for Hereditary cancer-predisposing syndrome. Last evaluated: 2023-03-23. Review status: criteria provided, single submitter. Criteria: Dines et al. (Genet Med. 2020). Collection method: curation. Allele origin: germline.
Comment: Missense variant in a coldspot region where missense variants are very unlikely to be pathogenic (PMID:31911673).

BRCA2 exon 10 coldspot. Reclassification based on statistical prior probability.

Literature cited by the submitters: PubMed 32772980 (cited by 4 submitters); PubMed 12938098 (cited by 3 submitters); PubMed 33471991 (cited by Quest Diagnostics Nichols Institute San Juan Capistrano and Color Diagnostics, LLC DBA Color Health); PubMed 31911673 (cited by Quest Diagnostics Nichols Institute San Juan Capistrano); PubMed 31409081 (cited by Color Diagnostics, LLC DBA Color Health).

NM_000059.4(BRCA2):c.1292C>T (p.Thr431Ile)

Gene: BRCA2 (BRCA2 DNA repair associated; plus strand). Cytogenetic location: 13q13.1.
Variant type: single nucleotide variant.
Coding change: c.1292C>T on transcript NM_000059.4 (MANE Select); coding-DNA position 1292, C replaced by T.
Protein change: p.Thr431Ile; replaces threonine 431 with isoleucine.
Molecular consequence: missense variant.
Genome position (GRCh38, 1-based): chr13:32,332,770, C>T. VCF-style: chr13-32332770-C-T. GRCh37 (hg19) VCF-style: chr13-32906907-C-T.
Other names: short protein forms T431I.
Identifiers: ClinVar variation 234066 (VCV000234066.24), dbSNP rs876660828, ClinGen allele CA10579491.
Genomic context (GRCh38, chr13:32,332,770, plus strand): 5'-TACCCCTATTGCATATTTCTTCATGTGACCAAAATATTTCAGAAAAAGACCTATTAGACA[C>T]AGAGAACAAAAGAAAGAAAGATTTTCTTACTTCAGAGAATTCTTTGCCACGTATTTCTAG-3'
Protein context (NP_000050.3, residues 421-441): QNISEKDLLD[Thr431Ile]ENKRKKDFLT